The following is an entry in ClinVar:

NM_000256.3(MYBPC3):c.1576G>A (p.Ala526Thr)

Gene: MYBPC3 (myosin binding protein C3; minus strand). Cytogenetic location: 11p11.2.
Variant type: single nucleotide variant.
Coding change: c.1576G>A on transcript NM_000256.3 (MANE Select); coding-DNA position 1576, G replaced by A.
Protein change: p.Ala526Thr; replaces alanine 526 with threonine.
Molecular consequence: missense variant.
Genome position (GRCh38, 1-based): chr11:47,342,626, C>T on the plus strand (G>A on the coding strand, the complement: MYBPC3 is on the minus strand). VCF-style: chr11-47342626-C-T. GRCh37 (hg19) VCF-style: chr11-47364177-C-T.
Other names: short protein forms A526T.
Identifiers: ClinVar variation 924340 (VCV000924340.5), dbSNP rs2095889889, ClinGen allele CA380325071.

ClinVar aggregate classification (germline): Uncertain significance (1 of 4 stars; one submission).

Conditions:
Cardiomyopathy (CMYO). Also called: Cardiomyopathies. Identifiers: Orphanet 167848, MedGen C0878544, MONDO:0004994, HP:0001638. Inheritance: Various modes of inheritance.

Allele frequency attached by ClinVar (database versions not stated): gnomAD exomes below 0.00001.
gnomAD v4.1: 2 of 1,613,850 alleles (0.00012%); highest among the groups gnomAD compares: Non-Finnish European, 0.00017%; no homozygotes.

Submission:

Color Diagnostics, LLC DBA Color Health
Classification: Uncertain significance for Cardiomyopathy. Last evaluated: 2023-12-05. Review status: criteria provided, single submitter. Criteria: ACMG Guidelines, 2015. Collection method: clinical testing. Allele origin: germline.
Comment: This missense variant replaces alanine with threonine at codon 526 of the MYBPC3 protein. Computational prediction tools and conservation analyses are inconclusive regarding the impact of this variant on the protein function. Computational splicing tools suggest that this variant may not impact RNA splicing. To our knowledge, functional assays have not been performed for this variant nor has this variant been reported in individuals affected with cardiovascular disorders in the literature. This variant has not been identified in the general population by the Genome Aggregation Database (gnomAD). Available evidence is insufficient to determine the role of this variant in disease conclusively. Therefore, this variant is classified as a Variant of Uncertain Significance.